The following is an entry in ClinVar:

ClinVar aggregate classification (germline): Uncertain significance (1 of 4 stars; one submission).

Conditions:
Renal cell carcinoma. Identifiers: Orphanet 217071, MedGen C0007134, MeSH D002292, MONDO:0005086, HP:0005584.

Submission:

Labcorp Genetics (formerly Invitae), Labcorp
Classification: Uncertain significance for Renal cell carcinoma. Last evaluated: 2022-05-11. Review status: criteria provided, single submitter. Criteria: Invitae Variant Classification Sherloc (09022015). Collection method: clinical testing. Allele origin: germline.
Comment: Algorithms developed to predict the effect of missense changes on protein structure and function are either unavailable or do not agree on the potential impact of this missense change (SIFT: "Deleterious"; PolyPhen-2: "Probably Damaging"; Align-GVGD: "Class C0"). In summary, the available evidence is currently insufficient to determine the role of this variant in disease. Therefore, it has been classified as a Variant of Uncertain Significance. This sequence change replaces proline, which is neutral and non-polar, with serine, which is neutral and polar, at codon 664 of the MET protein (p.Pro664Ser). This variant is not present in population databases (gnomAD no frequency). This variant has not been reported in the literature in individuals affected with MET-related conditions.

NM_000245.4(MET):c.1990C>T (p.Pro664Ser)

Gene: MET (MET proto-oncogene, receptor tyrosine kinase; plus strand). Cytogenetic location: 7q31.2.
Variant type: single nucleotide variant.
Coding change: c.1990C>T on transcript NM_000245.4 (MANE Select); coding-DNA position 1990, C replaced by T.
Protein change: p.Pro664Ser; replaces proline 664 with serine.
Molecular consequence: missense variant.
Genome position (GRCh38, 1-based): chr7:116,757,662, C>T. VCF-style: chr7-116757662-C-T. GRCh37 (hg19) VCF-style: chr7-116397716-C-T.
Other names: c.1990C>T, p.Pro664Ser (NM_001127500.3, NM_001324401.3); c.700C>T, p.Pro234Ser (NM_001324402.2); short protein forms P664S, P234S.
Identifiers: ClinVar variation 2133291 (VCV002133291.4), dbSNP rs2116923346, ClinGen allele CA368979662.